The following is an entry in ClinVar:

ClinVar aggregate classification (germline): Pathogenic/Likely pathogenic. Review status: criteria provided, multiple submitters, no conflicts (2 of 4 stars). 2 submissions from 2 submitters: Pathogenic (1); Likely pathogenic (1). Last evaluated 2024-06-07.

Conditions:
Primary ciliary dyskinesia 3. Identifiers: Orphanet 244, MedGen C1837618, MONDO:0012085, OMIM 608644.
Primary ciliary dyskinesia. Also called: Ciliary dyskinesia. Identifiers: Orphanet 244, MedGen C0008780, MONDO:0016575, HP:0012265.

Allele frequency attached by ClinVar (database versions not stated): gnomAD exomes below 0.00001.
gnomAD v4.1: 2 of 1,602,210 alleles (0.00012%); highest among the groups gnomAD compares: Non-Finnish European, 0.00017%; no homozygotes.

Submissions (2):

Fulgent Genetics
Classification: Likely pathogenic for Primary ciliary dyskinesia 3. Last evaluated: 2024-06-07. Review status: criteria provided, single submitter. Criteria: ACMG Guidelines, 2015. Collection method: clinical testing. Allele origin: germline.

Labcorp Genetics (formerly Invitae), Labcorp
Classification: Pathogenic for Primary ciliary dyskinesia. Last evaluated: 2022-08-05. Review status: criteria provided, single submitter. Criteria: Invitae Variant Classification Sherloc (09022015). Collection method: clinical testing. Allele origin: germline.
Comment: For these reasons, this variant has been classified as Pathogenic. Algorithms developed to predict the effect of sequence changes on RNA splicing suggest that this variant may disrupt the consensus splice site. This sequence change affects an acceptor splice site in intron 46 of the DNAH5 gene. It is expected to disrupt RNA splicing. Variants that disrupt the donor or acceptor splice site typically lead to a loss of protein function (PMID: 16199547), and loss-of-function variants in DNAH5 are known to be pathogenic (PMID: 11788826, 16627867). This variant is not present in population databases (gnomAD no frequency). Disruption of this splice site has been observed in individuals with primary ciliary dyskinesia (PMID: 31772028).

Literature cited by the submitters: PubMed 16199547 (cited by Labcorp Genetics (formerly Invitae), Labcorp); PubMed 11788826 (cited by Labcorp Genetics (formerly Invitae), Labcorp); PubMed 16627867 (cited by Labcorp Genetics (formerly Invitae), Labcorp); PubMed 31772028 (cited by Labcorp Genetics (formerly Invitae), Labcorp).

NM_001369.3(DNAH5):c.7753-1G>T

Gene: DNAH5 (dynein axonemal heavy chain 5; minus strand). Cytogenetic location: 5p15.2.
Variant type: single nucleotide variant.
Coding change: c.7753-1G>T on transcript NM_001369.3 (MANE Select); the canonical splice acceptor site of the intron before coding-DNA position 7753, G replaced by T.
Molecular consequence: splice acceptor variant.
Genome position (GRCh38, 1-based): chr5:13,807,726, C>A on the plus strand (G>T on the coding strand, the complement: DNAH5 is on the minus strand). VCF-style: chr5-13807726-C-A. GRCh37 (hg19) VCF-style: chr5-13807835-C-A.
Identifiers: ClinVar variation 1980917 (VCV001980917.6), dbSNP rs2546794222, ClinGen allele CA359229126.